The following is an entry in ClinVar:

NM_022835.3(PLEKHG2):c.1358C>G (p.Pro453Arg)

Gene: PLEKHG2 (pleckstrin homology and RhoGEF domain containing G2; plus strand). Cytogenetic location: 19q13.2.
Variant type: single nucleotide variant.
Coding change: c.1358C>G on transcript NM_022835.3 (MANE Select); coding-DNA position 1358, C replaced by G.
Protein change: p.Pro453Arg; replaces proline 453 with arginine.
Molecular consequence: missense variant.
Genome position (GRCh38, 1-based): chr19:39,420,811, C>G. VCF-style: chr19-39420811-C-G. GRCh37 (hg19) VCF-style: chr19-39911451-C-G.
Other names: c.1181C>G, p.Pro394Arg (NM_001351693.2); c.1358C>G, p.Pro453Arg (NM_001351694.2); c.1358C>G (NM_022835.2); short protein forms P394R, P453R.
Identifiers: ClinVar variation 1568026 (VCV001568026.11), dbSNP rs34975345, ClinGen allele CA9429465.

ClinVar aggregate classification (germline): Benign. Review status: criteria provided, multiple submitters, no conflicts (2 of 4 stars). 3 submissions from 3 submitters: Benign (2). 1 of the submissions does not count toward it. Last evaluated 2026-01-28.

Conditions:
PLEKHG2-related disorder. Also called: PLEKHG2-related condition.

Allele frequency attached by ClinVar (database versions not stated): 1000 Genomes Project 0.01737; 1000 Genomes Project 30x 0.01765; TOPMed 0.02208; ESP Exome Variant Server 0.02414.
gnomAD v4.1: 50,475 of 1,614,148 alleles (3.1%); highest among the groups gnomAD compares: Middle Eastern, 3.9%; 959 homozygotes.

Submissions (3):

Labcorp Genetics (formerly Invitae), Labcorp
Classification: Benign. Last evaluated: 2026-01-28. Review status: criteria provided, single submitter. Criteria: Invitae Variant Classification Sherloc (09022015). Collection method: clinical testing. Allele origin: germline.

Breakthrough Genomics
Classification: Benign. Review status: criteria provided, single submitter. Criteria: ACMG Guidelines, 2015. Collection method: not provided. Allele origin: germline. Inheritance: Autosomal recessive inheritance. Affected: yes.

PreventionGenetics, part of Exact Sciences
Classification: Benign for PLEKHG2-related condition. Last evaluated: 2019-02-22. Review status: no assertion criteria provided. Collection method: clinical testing. Allele origin: germline. Not counted in ClinVar's aggregate classification.
Comment: This variant is classified as benign based on ACMG/AMP sequence variant interpretation guidelines (Richards et al. 2015 PMID: 25741868, with internal and published modifications).